The following is an entry in ClinVar:

NM_000532.5(PCCB):c.1585C>T (p.Arg529Cys)

Gene: PCCB (propionyl-CoA carboxylase subunit beta; plus strand). Cytogenetic location: 3q22.3.
Variant type: single nucleotide variant.
Coding change: c.1585C>T on transcript NM_000532.5 (MANE Select); coding-DNA position 1585, C replaced by T.
Protein change: p.Arg529Cys; replaces arginine 529 with cysteine.
Molecular consequence: missense variant.
Genome position (GRCh38, 1-based): chr3:136,329,991, C>T. VCF-style: chr3-136329991-C-T. GRCh37 (hg19) VCF-style: chr3-136048833-C-T.
Other names: c.1645C>T, p.Arg549Cys (NM_001178014.2); short protein forms R529C, R549C.
Identifiers: ClinVar variation 2434596 (VCV002434596.4), dbSNP rs769652905, ClinGen allele CA2632241.

ClinVar aggregate classification (germline): Uncertain significance. Review status: criteria provided, multiple submitters, no conflicts (2 of 4 stars). 2 submissions from 2 submitters: Uncertain significance (2). Last evaluated 2025-08-20.

Conditions:
Propionic acidemia (PROP). Also called: GLYCINEMIA, KETOTIC; HYPERGLYCINEMIA WITH KETOACIDOSIS AND LEUKOPENIA; KETOTIC HYPERGLYCINEMIA. Identifiers: Orphanet 35, MedGen C0268579, MONDO:0011628, OMIM 606054, HP:0003571.

Allele frequency attached by ClinVar (database versions not stated): ExAC 0.00001; gnomAD exomes 0.00001; TOPMed 0.00001.
gnomAD v4.1: 4 of 1,614,086 alleles (0.00025%); highest among the groups gnomAD compares: East Asian, 0.0045%; no homozygotes.

Submissions (2):

Labcorp Genetics (formerly Invitae), Labcorp
Classification: Uncertain significance for Propionic acidemia. Last evaluated: 2025-08-20. Review status: criteria provided, single submitter. Criteria: Invitae Variant Classification Sherloc (09022015). Collection method: clinical testing. Allele origin: germline.
Comment: This sequence change replaces arginine, which is basic and polar, with cysteine, which is neutral and slightly polar, at codon 529 of the PCCB protein (p.Arg529Cys). This variant is present in population databases (rs769652905, gnomAD 0.003%). This variant has not been reported in the literature in individuals affected with PCCB-related conditions. ClinVar contains an entry for this variant (Variation ID: 2434596). Invitae Evidence Modeling of protein sequence and biophysical properties (such as structural, functional, and spatial information, amino acid conservation, physicochemical variation, residue mobility, and thermodynamic stability) has been performed for this missense variant. However, the output from this modeling did not meet the statistical confidence thresholds required to predict the impact of this variant on PCCB protein function. In summary, the available evidence is currently insufficient to determine the role of this variant in disease. Therefore, it has been classified as a Variant of Uncertain Significance.

Revvity Omics, Revvity
Classification: Uncertain significance for Propionic acidemia. Last evaluated: 2022-12-13. Review status: criteria provided, single submitter. Criteria: ACMG Guidelines, 2015. Collection method: clinical testing. Allele origin: germline.